The following continues an entry in ClinVar:

NM_001048174.2(MUTYH):c.848G>A (p.Arg283Lys)

Gene: MUTYH. ClinVar aggregate classification (germline): Conflicting classifications of pathogenicity. Uncertain significance (18); Benign (1).

Submissions 8 to 20 of 20:

Molecular Diagnostics Laboratory, Catalan Institute of Oncology
Classification: Uncertain significance for Hereditary cancer-predisposing syndrome. Last evaluated: 2024-11-05. Review status: criteria provided, single submitter. Criteria: ACMG Guidelines, 2015. Collection method: clinical testing. Allele origin: germline.
Comment: BP4 c.932G>A, located in exon 10 of the MUTYH gene, is predicted to result in the substitution of arginine by lysine at codon 311, p.(Arg311Lys). This variant is found in 34/268288 alleles at a frequency of 0.012% in the gnomAD v2.1.1 database, non-cancer dataset. The SpliceAI algorithm predicts no significant impact on splicing. The REVEL meta-predictor score for this variant (0.24) suggests that it does not affect the protein function (BP4). To our knowledge, no well-established functional studies have been reported for this variant. This variant has been found in multiple cancer patients (PMID: 35668106, 34704405, 34326862, 33939675, 26689913, 27978560, 33471991, 35264596). This variant has been reported in the ClinVar database (15x uncertain significance) and in LOVD (2x unclassified). Based on currently available information, the variant c.932G>A should be considered an uncertain significance variant, according to ACMG/AMP Guidelines.

GeneDx
Classification: Uncertain significance. Last evaluated: 2024-10-25. Review status: criteria provided, single submitter. Criteria: GeneDx Variant Classification Process June 2021. Collection method: clinical testing. Allele origin: germline. Affected: yes.
Comment: Observed with a pathogenic MUTYH variant, phase (cis or trans) unknown, in a patient with suspected MUTYH-associated polyposis; however, other variants in MUTYH and other genes were also identified in this patient (PMID: 34704405); Observed in individuals with ovarian, lung, breast, or colorectal cancer (PMID: 26689913, 25186627, 27978560, 33471991, 35264596, 35668106); In silico analysis indicates that this missense variant does not alter protein structure/function; Also known as c.890G>A, p.(R297K); This variant is associated with the following publications: (PMID: 26689913, 27978560, 25186627, 33471991, 35264596, 35668106, 34326862, 36672847, 11092888, 11160897, 16879101, 20816984, 34704405, 33939675)

All of Us Research Program, National Institutes of Health
Classification: Uncertain significance for Familial adenomatous polyposis 2. Last evaluated: 2024-09-27. Review status: criteria provided, single submitter. Criteria: ACMG Guidelines, 2015. Collection method: clinical testing. Allele origin: germline. Inheritance: Autosomal recessive inheritance. Observed: 33 variant alleles, 33 heterozygotes.
Comment: This missense variant replaces arginine with lysine at codon 311 of the MUTYH protein. This variant is also known as NM_001048171.1:c.890G>A (p.Arg297Lys) in the literature. Computational prediction suggests that this variant may not impact protein structure and function (internally defined REVEL score threshold <= 0.5, PMID: 27666373). To our knowledge, functional studies have not been reported for this variant. This variant has been observed in individuals affected with colon, ovarian, breast and lung cancer (PMID: 25186627, 26689913, 27978560, 33471991, 35668106) as well as in an individual potentially biallelic and affected with MUTYH-associated polyposis (PMID: 34704405). This variant has been identified in 36/282768 chromosomes in the general population by the Genome Aggregation Database (gnomAD). The available evidence is insufficient to determine the role of this variant in disease conclusively. Therefore, this variant is classified as a Variant of Uncertain Significance.

This study involves interpretation of variants in research participants for the purpose of population health screening. Participant phenotype was not available at the time of variant classification. Additional details can be found in publication PMID: 35346344, PMCID: PMC8962531

Color Diagnostics, LLC DBA Color Health
Classification: Uncertain significance for Hereditary cancer-predisposing syndrome. Last evaluated: 2024-08-23. Review status: criteria provided, single submitter. Criteria: ACMG Guidelines, 2015. Collection method: clinical testing. Allele origin: germline.
Comment: This missense variant replaces arginine with lysine at codon 311 of the MUTYH protein. This variant is also known as NM_001048171.1:c.890G>A (p.Arg297Lys) in the literature. Computational prediction suggests that this variant may not impact protein structure and function (internally defined REVEL score threshold <= 0.5, PMID: 27666373). To our knowledge, functional studies have not been reported for this variant. This variant has been observed in individuals affected with colon, ovarian, breast and lung cancer (PMID: 25186627, 26689913, 27978560, 33471991, 35668106) as well as in an individual potentially biallelic and affected with MUTYH-associated polyposis (PMID: 34704405). This variant has been identified in 36/282768 chromosomes in the general population by the Genome Aggregation Database (gnomAD). The available evidence is insufficient to determine the role of this variant in disease conclusively. Therefore, this variant is classified as a Variant of Uncertain Significance.

Blueprint Genetics
Classification: Uncertain significance. Last evaluated: 2024-08-09. Review status: criteria provided, single submitter. Criteria: ACMG Guidelines, 2015. Collection method: clinical testing. Allele origin: germline.

Fulgent Genetics
Classification: Uncertain significance for Familial adenomatous polyposis 2; Gastric cancer. Last evaluated: 2024-06-04. Review status: criteria provided, single submitter. Criteria: ACMG Guidelines, 2015. Collection method: clinical testing. Allele origin: germline.

Baylor Genetics
Classification: Uncertain significance for Familial adenomatous polyposis 2. Last evaluated: 2023-09-30. Review status: criteria provided, single submitter. Criteria: ACMG Guidelines, 2015. Collection method: clinical testing. Allele origin: unknown.

Revvity Omics, Revvity
Classification: Uncertain significance for Familial adenomatous polyposis 2. Last evaluated: 2023-06-14. Review status: criteria provided, single submitter. Criteria: ACMG Guidelines, 2015. Collection method: clinical testing. Allele origin: germline.

Sema4
Classification: Uncertain significance for Hereditary cancer-predisposing syndrome. Last evaluated: 2021-05-21. Review status: criteria provided, single submitter. Criteria: Sema4 Curation Guidelines. Collection method: curation. Allele origin: germline.
Comment: The MUTYH c.932G>A (p.R311K) variant has been reported in at least four individuals with breast cancer, one individual with ovarian cancer, and one individual with colon cancer (PMID: 26689913, 25186627, 27978560, 33471991). It is also known as c.890G>A (p.R297K) in the literature. It was observed in 20/24940 chromosomes, with no homozygotes, in the African/African American subpopulation in the large and broad cohorts of the Genome Aggregation Database (PMID: 32461654). The variant has been reported in ClinVar (Variation ID: 182694). In silico tools suggest the impact of the variant on protein function is inconclusive, though these predictions have not been confirmed by functional studies. The evidence is insufficient to meet ACMG/AMP criteria for classifying the variant as benign or pathogenic. Thus, the clinical significance of this variant is currently uncertain.

Department of Pathology and Laboratory Medicine, Sinai Health System
Classification: Uncertain significance for Familial adenomatous polyposis 2; Gastric cancer. Last evaluated: 2019-11-08. Review status: criteria provided, single submitter. Criteria: ACMG Guidelines, 2015. Collection method: clinical testing. Allele origin: germline.

Fulgent Genetics
Classification: Uncertain significance for Pilomatrixoma; Familial adenomatous polyposis 2; Gastric cancer. Last evaluated: 2018-10-31. Review status: criteria provided, single submitter. Criteria: ACMG Guidelines, 2015. Collection method: clinical testing. Allele origin: unknown.

Mendelics
Classification: Uncertain significance for MYH-associated polyposis. Last evaluated: 2018-07-02. Review status: criteria provided, single submitter. Criteria: Mendelics Assertion Criteria 2017. Collection method: clinical testing. Allele origin: unknown.

Counsyl
Classification: Uncertain significance for Familial adenomatous polyposis 2. Last evaluated: 2016-06-09. Review status: no assertion criteria provided. Collection method: clinical testing. Allele origin: unknown. Not counted in ClinVar's aggregate classification.

Literature cited by the submitters: PubMed 25186627 (cited by 8 submitters); PubMed 26689913 (cited by 9 submitters); PubMed 27978560 (cited by 8 submitters); PubMed 33471991 (cited by 5 submitters); PubMed 33939675 (cited by Women's Health and Genetics/Laboratory Corporation of America, LabCorp and Quest Diagnostics Nichols Institute San Juan Capistrano); PubMed 35264596 (cited by 3 submitters); PubMed 34326862 (cited by Women's Health and Genetics/Laboratory Corporation of America, LabCorp and Quest Diagnostics Nichols Institute San Juan Capistrano); PubMed 35668106 (cited by 5 submitters); PubMed 34704405 (cited by 4 submitters); PubMed 37306523 (cited by Quest Diagnostics Nichols Institute San Juan Capistrano).